The following is an entry in ClinVar:

NM_032790.4(ORAI1):c.169G>A (p.Gly57Ser)

Genes: ORAI1 (ORAI calcium release-activated calcium modulator 1; plus strand), LOC130008987 (ATAC-STARR-seq lymphoblastoid silent region 4981; plus strand). Cytogenetic location: 12q24.31.
Variant type: single nucleotide variant.
Coding change: c.169G>A on transcript NM_032790.4 (MANE Select); coding-DNA position 169, G replaced by A.
Protein change: p.Gly57Ser; replaces glycine 57 with serine.
Genome position (GRCh38, 1-based): chr12:121,626,916, G>A. VCF-style: chr12-121626916-G-A. GRCh37 (hg19) VCF-style: chr12-122064822-G-A.
Other names: short protein forms G57S.
Identifiers: ClinVar variation 1386135 (VCV001386135.7), dbSNP rs1412190366, ClinGen allele CA386980878.
Genomic context (GRCh38, chr12:121,626,916, plus strand): 5'-GCCCCCGGGGGCCCCGCCCCGCCACCGCCGCCGTCCGCCGTCACCTACCCGGACTGGATC[G>A]GCCAGAGTTACTCCGAGGTGATGAGCCTCAACGAGCACTCCATGCAGGCGCTGTCCTGGC-3'
Protein context (NP_116179.2, residues 47-67): PSAVTYPDWI[Gly57Ser]QSYSEVMSLN

ClinVar aggregate classification (germline): Uncertain significance. Review status: criteria provided, multiple submitters, no conflicts (2 of 4 stars). 2 submissions from 2 submitters: Uncertain significance (2). Last evaluated 2023-08-19.

Conditions:
Combined immunodeficiency due to ORAI1 deficiency. Also called: IMMUNODEFICIENCY 9. Identifiers: Orphanet 169090, Orphanet 317428, MedGen C2748568, MONDO:0013007, OMIM 612782.
Myopathy, tubular aggregate, 2 (TAM2). Identifiers: MedGen C4014557, MONDO:0014383, OMIM 615883.
Myopathy with tubular aggregates (TAM). Also called: Tubular Aggregate Myopathy. Identifiers: Orphanet 2593, MedGen C0410207, MONDO:0008051.

Allele frequency attached by ClinVar (database versions not stated): gnomAD exomes below 0.00001; TOPMed 0.00002.

Submissions (2):

Labcorp Genetics (formerly Invitae), Labcorp
Classification: Uncertain significance for Myopathy, tubular aggregate, 2; Combined immunodeficiency due to ORAI1 deficiency. Last evaluated: 2023-08-19. Review status: criteria provided, single submitter. Criteria: Invitae Variant Classification Sherloc (09022015). Collection method: clinical testing. Allele origin: germline.
Comment: This variant is not present in population databases (gnomAD no frequency). This sequence change replaces glycine, which is neutral and non-polar, with serine, which is neutral and polar, at codon 57 of the ORAI1 protein (p.Gly57Ser). This variant has not been reported in the literature in individuals affected with ORAI1-related conditions. In summary, the available evidence is currently insufficient to determine the role of this variant in disease. Therefore, it has been classified as a Variant of Uncertain Significance. Experimental studies and prediction algorithms are not available or were not evaluated, and the functional significance of this variant is currently unknown. ClinVar contains an entry for this variant (Variation ID: 1386135).

Department of Pathology and Laboratory Medicine, Sinai Health System
Classification: Uncertain significance for tubular aggregate myopathy. Last evaluated: 2021-11-23. Review status: criteria provided, single submitter. Criteria: ACMG Guidelines, 2015. Collection method: research. Allele origin: germline.